The following is an entry in ClinVar:

NM_004991.4(MECOM):c.1201T>G (p.Cys401Gly)

Gene: MECOM (MDS1 and EVI1 complex locus; minus strand). Cytogenetic location: 3q26.2.
Variant type: single nucleotide variant.
Coding change: c.1201T>G on transcript NM_004991.4 (MANE Select); coding-DNA position 1201, T replaced by G.
Protein change: p.Cys401Gly; replaces cysteine 401 with glycine.
Molecular consequence: missense variant. On other transcripts: intron variant (2).
Genome position (GRCh38, 1-based): chr3:169,116,671, A>C on the plus strand (T>G on the coding strand, the complement: MECOM is on the minus strand). VCF-style: chr3-169116671-A-C. GRCh37 (hg19) VCF-style: chr3-168834459-A-C.
Other names: c.637T>G, p.Cys213Gly (NM_001366469.2, NM_001366471.2, NM_001366472.2 and 4 more transcripts); c.640T>G, p.Cys214Gly (NM_001366470.2, NM_001163999.2, NM_001366467.2 and 1 more transcripts); c.1133-904T>G (NM_001366473.2); c.569-904T>G (NM_001366474.2); c.832T>G, p.Cys278Gly (NM_001105077.4); c.1201T>G, p.Cys401Gly (NM_001366466.2); short protein forms C214G, C213G, C401G, C278G.
Identifiers: ClinVar variation 4105736 (VCV004105736.1).

ClinVar aggregate classification (germline): Uncertain significance (1 of 4 stars; one submission).

Conditions:
Inborn genetic diseases. Identifiers: MedGen C0950123, MeSH D030342.

Submission:

Ambry Genetics
Classification: Uncertain significance for Inborn genetic diseases. Last evaluated: 2025-06-25. Review status: criteria provided, single submitter. Criteria: Ambry Variant Classification Scheme 2023. Collection method: clinical testing. Allele origin: germline.
Comment: The p.C401G variant (also known as c.1201T>G), located in coding exon 8 of the MECOM gene, results from a T to G substitution at nucleotide position 1201. The cysteine at codon 401 is replaced by glycine, an amino acid with highly dissimilar properties. This amino acid position is conserved. In addition, this alteration is predicted to be deleterious by in silico analysis. Based on the available evidence, the clinical significance of this variant remains unclear.